The following is an entry in ClinVar:

ClinVar aggregate classification (germline): Uncertain significance (1 of 4 stars; one submission).

Allele frequency attached by ClinVar (database versions not stated): ExAC 0.00001; gnomAD 0.00001; gnomAD exomes 0.00001 and 0.00002; TOPMed 0.00001.
gnomAD v4.1: 24 of 1,611,084 alleles (0.0015%); highest among the groups gnomAD compares: East Asian, 0.0022%; no homozygotes.

Submission:

Labcorp Genetics (formerly Invitae), Labcorp
Classification: Uncertain significance. Last evaluated: 2020-12-19. Review status: criteria provided, single submitter. Criteria: Invitae Variant Classification Sherloc (09022015). Collection method: clinical testing. Allele origin: germline.
Comment: This sequence change replaces arginine with glutamine at codon 235 of the FAM20C protein (p.Arg235Gln). The arginine residue is weakly conserved and there is a small physicochemical difference between arginine and glutamine. This variant is present in population databases (rs758646891, ExAC 0.002%). This variant has not been reported in the literature in individuals with FAM20C-related conditions. Algorithms developed to predict the effect of missense changes on protein structure and function (SIFT, PolyPhen-2, Align-GVGD) all suggest that this variant is likely to be tolerated, but these predictions have not been confirmed by published functional studies and their clinical significance is uncertain. Algorithms developed to predict the effect of sequence changes on RNA splicing suggest that this variant may create or strengthen a splice site, but this prediction has not been confirmed by published transcriptional studies. In summary, the available evidence is currently insufficient to determine the role of this variant in disease. Therefore, it has been classified as a Variant of Uncertain Significance.

NM_020223.4(FAM20C):c.704G>A (p.Arg235Gln)

Gene: FAM20C (FAM20C golgi associated secretory pathway kinase; plus strand). Cytogenetic location: 7p22.3.
Variant type: single nucleotide variant.
Coding change: c.704G>A on transcript NM_020223.4 (MANE Select); coding-DNA position 704, G replaced by A.
Protein change: p.Arg235Gln; replaces arginine 235 with glutamine.
Molecular consequence: missense variant.
Genome position (GRCh38, 1-based): chr7:195,652, G>A. VCF-style: chr7-195652-G-A. GRCh37 (hg19) VCF-style: chr7-195652-G-A.
Other names: short protein forms R235Q.
Identifiers: ClinVar variation 1374180 (VCV001374180.8), dbSNP rs758646891, ClinGen allele CA4108969.